The following is an entry in ClinVar:

NM_006514.4(SCN10A):c.4766C>T (p.Ala1589Val)

Gene: SCN10A (sodium voltage-gated channel alpha subunit 10; minus strand). Cytogenetic location: 3p22.2.
Variant type: single nucleotide variant.
Coding change: c.4766C>T on transcript NM_006514.4 (MANE Select); coding-DNA position 4766, C replaced by T.
Protein change: p.Ala1589Val; replaces alanine 1589 with valine.
Molecular consequence: missense variant.
Genome position (GRCh38, 1-based): chr3:38,698,454, G>A on the plus strand (C>T on the coding strand, the complement: SCN10A is on the minus strand). VCF-style: chr3-38698454-G-A. GRCh37 (hg19) VCF-style: chr3-38739945-G-A.
Other names: c.4763C>T, p.Ala1588Val (NM_001293306.2); c.4472C>T, p.Ala1491Val (NM_001293307.2); short protein forms A1491V, A1588V, A1589V.
Identifiers: ClinVar variation 1435971 (VCV001435971.9), dbSNP rs753004431, ClinGen allele CA2319815.

ClinVar aggregate classification (germline): Conflicting classifications of pathogenicity. Review status: criteria provided, conflicting classifications (1 of 4 stars). 2 submissions from 2 submitters: Uncertain significance (1); Likely benign (1). Last evaluated 2024-02-05.

Conditions:
Cardiovascular phenotype. Identifiers: MedGen CN230736.
Brugada syndrome. Also called: Sudden unexpected nocturnal death syndrome; Sudden Unexplained Death Syndrome; Sudden Unexplained Nocturnal Death Syndrome (SUNDS); Sudden unexplained nocturnal death syndrome. Identifiers: Orphanet 130, MedGen C1142166, MONDO:0015263.

Allele frequency attached by ClinVar (database versions not stated): gnomAD 0.00001; TOPMed 0.00002.
gnomAD v4.1: 14 of 1,614,074 alleles (0.00087%); highest among the groups gnomAD compares: Admixed American, 0.0067%; no homozygotes.

Submissions (2):

Labcorp Genetics (formerly Invitae), Labcorp
Classification: Uncertain significance for Brugada syndrome. Last evaluated: 2024-02-05. Review status: criteria provided, single submitter. Criteria: Invitae Variant Classification Sherloc (09022015). Collection method: clinical testing. Allele origin: germline.
Comment: This sequence change replaces alanine, which is neutral and non-polar, with valine, which is neutral and non-polar, at codon 1589 of the SCN10A protein (p.Ala1589Val). This variant is present in population databases (rs753004431, gnomAD 0.01%). This variant has not been reported in the literature in individuals affected with SCN10A-related conditions. ClinVar contains an entry for this variant (Variation ID: 1435971). Advanced modeling of protein sequence and biophysical properties (such as structural, functional, and spatial information, amino acid conservation, physicochemical variation, residue mobility, and thermodynamic stability) performed at Invitae indicates that this missense variant is not expected to disrupt SCN10A protein function with a negative predictive value of 80%. In summary, the available evidence is currently insufficient to determine the role of this variant in disease. Therefore, it has been classified as a Variant of Uncertain Significance.

Ambry Genetics
Classification: Likely benign for Cardiovascular phenotype. Last evaluated: 2020-11-12. Review status: criteria provided, single submitter. Criteria: Ambry Variant Classification Scheme 2023. Collection method: clinical testing. Allele origin: germline.

Literature cited by the submitters: PubMed 31571979 (cited by Ambry Genetics).